The following is an entry in ClinVar:

NM_000135.4(FANCA):c.3764A>G (p.Glu1255Gly)

Gene: FANCA (FA complementation group A; minus strand). Cytogenetic location: 16q24.3.
Variant type: single nucleotide variant.
Coding change: c.3764A>G on transcript NM_000135.4 (MANE Select); coding-DNA position 3764, A replaced by G.
Protein change: p.Glu1255Gly; replaces glutamic acid 1255 with glycine.
Molecular consequence: missense variant.
Genome position (GRCh38, 1-based): chr16:89,742,801, T>C on the plus strand (A>G on the coding strand, the complement: FANCA is on the minus strand). VCF-style: chr16-89742801-T-C. GRCh37 (hg19) VCF-style: chr16-89809209-T-C.
Other names: c.3764A>G, p.Glu1255Gly (NM_001286167.3); short protein forms E1255G.
Identifiers: ClinVar variation 3572401 (VCV003572401.1).

ClinVar aggregate classification (germline): Uncertain significance (1 of 4 stars; one submission).

gnomAD v4.1: 8 of 1,613,564 alleles (0.0005%); highest among the groups gnomAD compares: Non-Finnish European, 0.00068%; no homozygotes.

Submission:

Quest Diagnostics Nichols Institute San Juan Capistrano
Classification: Uncertain significance. Last evaluated: 2024-09-20. Review status: criteria provided, single submitter. Criteria: Quest Diagnostics criteria. Collection method: clinical testing. Allele origin: unknown.
Comment: The FANCA c.3764A>G (p.Glu1255Gly) variant has been reported in the published literature in individuals with ovarian cancer as well as reportedly healthy individuals (PMID: 32546565 (2021)). The frequency of this variant in the general population, 0.000004 (1/251470 chromosomes (Genome Aggregation Database)), is uninformative in the assessment of its pathogenicity. Analysis of this variant using bioinformatics tools for the prediction of the effect of amino acid changes on protein structure and function yielded conflicting predictions that this variant is benign or damaging. Based on the available information, we are unable to determine the clinical significance of this variant.

Literature cited by the submitters: PubMed 32546565.